The following is an entry in ClinVar:

ClinVar aggregate classification (germline): Uncertain significance (1 of 4 stars; one submission).

Conditions:
Glycogen storage disease type III (GSD3). Also called: FORBES DISEASE; Cori disease. Identifiers: Orphanet 366, MedGen C0017922, MONDO:0009291, OMIM 232400.

Allele frequency attached by ClinVar (database versions not stated): gnomAD exomes below 0.00001; ExAC 0.00001; gnomAD 0.00001.
gnomAD v4.1: 1 of 1,613,794 alleles (0.000062%); highest among the groups gnomAD compares: Admixed American, 0.0017%; no homozygotes.

Submission:

Labcorp Genetics (formerly Invitae), Labcorp
Classification: Uncertain significance for Glycogen storage disease type III. Last evaluated: 2024-04-08. Review status: criteria provided, single submitter. Criteria: Invitae Variant Classification Sherloc (09022015). Collection method: clinical testing. Allele origin: germline.
Comment: This sequence change replaces histidine, which is basic and polar, with arginine, which is basic and polar, at codon 3 of the AGL protein (p.His3Arg). This variant is present in population databases (rs752437446, gnomAD no frequency). This variant has not been reported in the literature in individuals affected with AGL-related conditions. ClinVar contains an entry for this variant (Variation ID: 1430557). Algorithms developed to predict the effect of missense changes on protein structure and function output the following: SIFT: "Not Available"; PolyPhen-2: "Benign"; Align-GVGD: "Not Available". The arginine amino acid residue is found in multiple mammalian species, which suggests that this missense change does not adversely affect protein function. In summary, the available evidence is currently insufficient to determine the role of this variant in disease. Therefore, it has been classified as a Variant of Uncertain Significance.

NM_000642.3(AGL):c.8A>G (p.His3Arg)

Gene: AGL (amylo-alpha-1,6-glucosidase and 4-alpha-glucanotransferase; plus strand). Cytogenetic location: 1p21.2.
Variant type: single nucleotide variant.
Coding change: c.8A>G on transcript NM_000642.3 (MANE Select); coding-DNA position 8, A replaced by G.
Protein change: p.His3Arg; replaces histidine 3 with arginine.
Molecular consequence: missense variant.
Genome position (GRCh38, 1-based): chr1:99,851,050, A>G. VCF-style: chr1-99851050-A-G. GRCh37 (hg19) VCF-style: chr1-100316606-A-G.
Other names: c.8A>G, p.His3Arg (NM_000028.3, NM_000643.3, NM_000644.3 and 6 more transcripts); c.-184A>G (NM_000646.3); short protein forms H3R.
Identifiers: ClinVar variation 1430557 (VCV001430557.6), dbSNP rs752437446, ClinGen allele CA965993.
Genomic context (GRCh38, chr1:99,851,050, plus strand): 5'-CTGTGGAGTTCTTTTAATTCTTATGAAAGATTTCAAATCCTCTAGAAGCCAAAATGGGAC[A>G]CAGTAAACAGATTCGAATTTTACTTCTGAACGAAATGGAGAAACTGGAAAAGACCCTCTT-3'
Protein context (NP_000633.2, residues 1-13): MG[His3Arg]SKQIRILLLN